The following is an entry in ClinVar:

ClinVar aggregate classification (germline): Benign/Likely benign. Review status: criteria provided, multiple submitters, no conflicts (2 of 4 stars). 9 submissions from 9 submitters: Benign (3); Likely benign (4). 2 of the submissions do not count toward it. Last evaluated 2026-01-28.

Conditions:
DYSF-related disorder. Also called: DYSF-related condition; DYSF-related disorders.
Neuromuscular disease caused by qualitative or quantitative defects of dysferlin. Also called: Dysferlinopathy; Qualitative or quantitative defects of dysferlin. Identifiers: Orphanet 207073, MedGen C2931687, MONDO:0016145.
Autosomal recessive limb-girdle muscular dystrophy type 2B (LGMDR2). Also called: MUSCULAR DYSTROPHY, LIMB-GIRDLE, AUTOSOMAL RECESSIVE 2; Limb-girdle muscular dystrophy, type 2B; Limb-Girdle Muscular Dystrophy Type 2B (LGMD2B); MUSCULAR DYSTROPHY, LIMB-GIRDLE, TYPE 3. Identifiers: Orphanet 268, MedGen C1850889, MONDO:0009676, OMIM 253601.

Allele frequency attached by ClinVar (database versions not stated): ExAC 0.00120; ESP Exome Variant Server 0.00300; gnomAD 0.00331 and 0.00342; TOPMed 0.00363; 1000 Genomes Project 0.00679; 1000 Genomes Project 30x 0.00734.
gnomAD v4.1: 1,144 of 1,613,988 alleles (0.071%); highest among the groups gnomAD compares: African/African-American, 1.2%; 6 homozygotes.

Submissions (9):

Labcorp Genetics (formerly Invitae), Labcorp
Classification: Benign for Neuromuscular disease caused by qualitative or quantitative defects of dysferlin. Last evaluated: 2026-01-28. Review status: criteria provided, single submitter. Criteria: Invitae Variant Classification Sherloc (09022015). Collection method: clinical testing. Allele origin: germline.

Blueprint Genetics
Classification: Likely benign. Last evaluated: 2024-11-08. Review status: criteria provided, single submitter. Criteria: ACMG Guidelines, 2015. Collection method: clinical testing. Allele origin: germline.

Mayo Clinic Laboratories, Mayo Clinic
Classification: Benign. Last evaluated: 2024-10-30. Review status: criteria provided, single submitter. Criteria: ACMG Guidelines, 2015. Collection method: clinical testing. Allele origin: germline. Observed: 2 variant alleles.

GeneDx
Classification: Likely benign. Last evaluated: 2024-08-29. Review status: criteria provided, single submitter. Criteria: GeneDx Variant Classification Process June 2021. Collection method: clinical testing. Allele origin: germline. Affected: yes.
Comment: See Variant Classification Assertion Criteria.

Athena Diagnostics
Classification: Likely benign. Last evaluated: 2019-06-10. Review status: criteria provided, single submitter. Criteria: Athena Diagnostics Criteria. Collection method: clinical testing. Allele origin: germline.

Eurofins Ntd Llc (ga)
Classification: Benign. Last evaluated: 2015-07-31. Review status: criteria provided, single submitter. Criteria: EGL Classification Definitions 2015. Collection method: clinical testing. Allele origin: germline. Observed: 1 variant allele, 1 heterozygote.

Breakthrough Genomics
Classification: Likely benign. Review status: criteria provided, single submitter. Criteria: ACMG Guidelines, 2015. Collection method: not provided. Allele origin: germline. Inheritance: Autosomal recessive inheritance. Affected: yes.

PreventionGenetics, part of Exact Sciences
Classification: Benign for DYSF-related condition. Last evaluated: 2021-02-03. Review status: no assertion criteria provided. Collection method: clinical testing. Allele origin: germline. Not counted in ClinVar's aggregate classification.
Comment: This variant is classified as benign based on ACMG/AMP sequence variant interpretation guidelines (Richards et al. 2015 PMID: 25741868, with internal and published modifications).

Natera, Inc.
Classification: Benign for Limb-girdle muscular dystrophy type 2B. Last evaluated: 2019-12-13. Review status: no assertion criteria provided. Collection method: clinical testing. Allele origin: germline. Not counted in ClinVar's aggregate classification.

NM_001130987.2(DYSF):c.1145C>T (p.Ala382Val)

Gene: DYSF (dysferlin; plus strand). Cytogenetic location: 2p13.2.
Variant type: single nucleotide variant.
Coding change: c.1145C>T on transcript NM_001130987.2 (MANE Select); coding-DNA position 1145, C replaced by T.
Protein change: p.Ala382Val; replaces alanine 382 with valine.
Molecular consequence: missense variant.
Genome position (GRCh38, 1-based): chr2:71,520,900, C>T. VCF-style: chr2-71520900-C-T. GRCh37 (hg19) VCF-style: chr2-71748030-C-T.
Other names: p.Ala350Val; c.1052C>T, p.Ala351Val (NM_001130455.2, NM_001130983.2, NM_001130984.2 and 1 more transcripts); c.1049C>T, p.Ala350Val (NM_001130976.2, NM_001130977.2, NM_001130978.2 and 1 more transcripts); c.1142C>T, p.Ala381Val (NM_001130979.2, NM_001130980.2, NM_001130981.2); c.1145C>T, p.Ala382Val (NM_001130982.2, NM_001130985.2); short protein forms A350V, A382V, A351V, A381V.
Identifiers: ClinVar variation 282164 (VCV000282164.23), dbSNP rs115279465, ClinGen allele CA1705614.
Genomic context (GRCh38, chr2:71,520,900, plus strand): 5'-CTGCTGGGGCCAGAGGCTACCTGAAAACAAGCCTTTGTGTGCTGGGGCCTGGGGACGAAG[C>T]GCCTGTGAGTACATTTCCCTGGGTCTTCCTTACGGTCCCCCACGCGGCACTTGGTTGCGG-3'
Protein context (NP_001124459.1, residues 372-392): SLCVLGPGDE[Ala382Val]PLERKDPSED